The following is an entry in ClinVar:

NM_002474.3(MYH11):c.2119G>T (p.Gly707Cys)

Gene: MYH11 (myosin heavy chain 11; minus strand). Cytogenetic location: 16p13.11.
Variant type: single nucleotide variant.
Coding change: c.2119G>T on transcript NM_002474.3 (MANE Select); coding-DNA position 2119, G replaced by T.
Protein change: p.Gly707Cys; replaces glycine 707 with cysteine.
Molecular consequence: missense variant.
Genome position (GRCh38, 1-based): chr16:15,748,108, C>A on the plus strand (G>T on the coding strand, the complement: MYH11 is on the minus strand). VCF-style: chr16-15748108-C-A. GRCh37 (hg19) VCF-style: chr16-15841965-C-A.
Other names: c.2140G>T, p.Gly714Cys (NM_001040113.2, NM_001040114.2); c.2119G>T, p.Gly707Cys (NM_022844.3); short protein forms G714C, G707C.
Identifiers: ClinVar variation 4087910 (VCV004087910.1).

ClinVar aggregate classification (germline): Uncertain significance (1 of 4 stars; one submission).

Submission:

GeneDx
Classification: Uncertain significance. Last evaluated: 2025-03-23. Review status: criteria provided, single submitter. Criteria: GeneDx Variant Classification Process June 2021. Collection method: clinical testing. Allele origin: germline. Affected: yes.
Comment: Not observed at significant frequency in large population cohorts (gnomAD); In silico analysis supports that this missense variant has a deleterious effect on protein structure/function; Has not been previously published as pathogenic or benign to our knowledge